The following is an entry in ClinVar:

ClinVar aggregate classification (germline): Conflicting classifications of pathogenicity. Review status: criteria provided, conflicting classifications (1 of 4 stars). 3 submissions from 3 submitters: Likely pathogenic (2); Uncertain significance (1). Last evaluated 2026-09-01.

Conditions:
Intellectual developmental disorder, autosomal dominant 66. Also called: MENTAL RETARDATION, AUTOSOMAL DOMINANT 66. Identifiers: MedGen C5677000, MONDO:0030891, OMIM 619910.
Neurodevelopmental disorder. Identifiers: MedGen C1535926, MeSH D065886, MONDO:0700092.

Allele frequency attached by ClinVar (database versions not stated): gnomAD exomes below 0.00001.
gnomAD v4.1: 1 of 1,613,794 alleles (0.000062%); highest among the groups gnomAD compares: Non-Finnish European, 0.000085%; no homozygotes.

Submissions (3):

CeGaT Center for Human Genetics Tuebingen
Classification: Likely pathogenic. Last evaluated: 2026-09-01. Review status: criteria provided, single submitter. Criteria: CeGaT Center For Human Genetics Tuebingen Variant Classification Criteria Version 2. Collection method: clinical testing. Allele origin: germline. Affected: yes. Observed: 1 variant allele.
Comment: ATP2B1: PM2, PP2, PP3, PS3:Supporting, PS4:Supporting

Victorian Clinical Genetics Services, Murdoch Childrens Research Institute
Classification: Uncertain significance for Intellectual developmental disorder, autosomal dominant 66. Last evaluated: 2024-10-30. Review status: criteria provided, single submitter. Criteria: ACMG Guidelines, 2015. Collection method: clinical testing. Allele origin: germline. Affected: yes.
Comment: This variant is classified as VUS-3A. Evidence in support of pathogenic classification: Variant is present in gnomAD <0.001 for a dominant condition (v4: 1 heterozygote(s), 0 homozygote(s)); This variant has limited previous evidence of pathogenicity in unrelated individual(s). It has been classified as likely pathogenic and reported in an individual with autism spectrum disorder, and features including facial dysmorphism, marfanoid habitus, pectus carinatum, scoliosis and arachnodactyly (ClinVar, PMID: 35358416); This variant has moderate functional evidence supporting abnormal protein function. Transfected HEK293 cells showed this variant affects protein localisation and reduces Ca2+ transport (PMID: 35358416); Missense variant consistently predicted to be damaging by an in silico tool or highly conserved with a major amino acid change. Additional information: Variant is predicted to result in a missense amino acid change from arginine to glutamine; This variant is heterozygous; This gene is associated with autosomal dominant disease; No published segregation evidence has been identified for this variant; No comparable missense variants have previous evidence for pathogenicity; Variant is located in the cation transporting ATPase, C-terminus domain (DECIPHER); Loss of function is a known mechanism of disease in this gene and is associated with intellectual developmental disorder, autosomal dominant 66 (MIM#619910; PMID: 35358416).

Institute of Human Genetics, University of Leipzig Medical Center
Classification: Likely pathogenic for Neurodevelopmental disorder. Last evaluated: 2022-04-11. Review status: criteria provided, single submitter. Criteria: ACMG Guidelines, 2015. Collection method: clinical testing. Allele origin: unknown. Affected: yes.

Literature cited by the submitters: PubMed 35358416 (cited by Victorian Clinical Genetics Services, Murdoch Childrens Research Institute and Institute of Human Genetics, University of Leipzig Medical Center).

NM_001366521.1(ATP2B1):c.2972G>A (p.Arg991Gln)

Gene: ATP2B1 (ATPase plasma membrane Ca2+ transporting 1; minus strand). Cytogenetic location: 12q21.33.
Variant type: single nucleotide variant.
Coding change: c.2972G>A on transcript NM_001366521.1 (MANE Select); coding-DNA position 2972, G replaced by A.
Protein change: p.Arg991Gln; replaces arginine 991 with glutamine.
Molecular consequence: missense variant.
Genome position (GRCh38, 1-based): chr12:89,603,131, C>T on the plus strand (G>A on the coding strand, the complement: ATP2B1 is on the minus strand). VCF-style: chr12-89603131-C-T. GRCh37 (hg19) VCF-style: chr12-89996908-C-T.
Other names: c.2972G>A, p.Arg991Gln (NM_001001323.2, NM_001366520.1, NM_001366522.1 and 8 more transcripts); c.2774G>A, p.Arg925Gln (NM_001366530.1); c.2411G>A, p.Arg804Gln (NM_001366531.1, NM_001366532.1); short protein forms R804Q, R925Q, R991Q.
Identifiers: ClinVar variation 1679164 (VCV001679164.4), dbSNP rs1433458409, ClinGen allele CA386002028.